The following is an entry in ClinVar:

ClinVar aggregate classification (germline): Likely pathogenic (1 of 4 stars; one submission).

Submission:

Labcorp Genetics (formerly Invitae), Labcorp
Classification: Likely pathogenic. Last evaluated: 2023-09-05. Review status: criteria provided, single submitter. Criteria: Invitae Variant Classification Sherloc (09022015). Collection method: clinical testing. Allele origin: germline.
Comment: In summary, the currently available evidence indicates that the variant is pathogenic, but additional data are needed to prove that conclusively. Therefore, this variant has been classified as Likely Pathogenic. Experimental studies and prediction algorithms are not available or were not evaluated, and the functional significance of this variant is currently unknown. This sequence change disrupts the translational stop signal of the SOX10 mRNA. It is expected to extend the length of the SOX10 protein by 86 additional amino acid residues. This variant is not present in population databases (gnomAD no frequency). This protein extension has been observed in individual(s) with clinical features of Waardenburg syndrome (Invitae). In at least one individual the variant was observed to be de novo.

NM_006941.4(SOX10):c.1399T>C (p.Ter467Gln)

Genes: POLR2F (RNA polymerase II, I and III subunit F; plus strand), SOX10 (SRY-box transcription factor 10; minus strand). Cytogenetic location: 22q13.1.
Variant type: single nucleotide variant.
Coding change: c.1399T>C on transcript NM_006941.4 (MANE Select); coding-DNA position 1399, T replaced by C.
Protein change: p.Ter467Gln.
Molecular consequence: stop lost. On other transcripts: intron variant (3).
Genome position (GRCh38, 1-based): chr22:37,973,497, A>G on the plus strand (T>C on the coding strand, the complement: SOX10 is on the minus strand). VCF-style: chr22-37973497-A-G. GRCh37 (hg19) VCF-style: chr22-38369504-A-G.
Other names: c.*38+1187A>G (NM_001363825.1); c.293+6327A>G (NM_001301130.2, NM_001301131.2).
Identifiers: ClinVar variation 2752174 (VCV002752174.3), dbSNP rs2518041187, ClinGen allele CA411487562.